The following is an entry in ClinVar:

ClinVar aggregate classification (germline): Uncertain significance. Review status: criteria provided, multiple submitters, no conflicts (2 of 4 stars). 4 submissions from 4 submitters: Uncertain significance (3). 1 of the submissions does not count toward it. Last evaluated 2024-08-12.

Conditions:
Ovarian cancer. Also called: OVARIAN CANCER, SOMATIC. Identifiers: Orphanet 213500, MedGen C1140680, MONDO:0008170, OMIM 167000.
Gastric cancer. Also called: Stomach cancer; Malignant tumor of stomach. Identifiers: MedGen C0024623, MeSH D013274, MONDO:0001056, OMIM 613659, HP:0012126.
Glioma susceptibility 1 (GLM1). Also called: Glioblastoma, somatic. Identifiers: MedGen C2750850, MONDO:0024498, OMIM 137800.
Lung cancer. Also called: Lung cancer, somatic; Malignant tumor of lung. Identifiers: MedGen C0242379, MONDO:0008903, OMIM 211980.
Visceral neuropathy, familial, 2, autosomal recessive. Identifiers: MedGen C5561950, MONDO:0030399, OMIM 619465.

Allele frequency attached by ClinVar (database versions not stated): gnomAD 0.00004; ExAC 0.00005; gnomAD exomes 0.00005 and 0.00012; TOPMed 0.00005; ESP Exome Variant Server 0.00008.
gnomAD v4.1: 176 of 1,612,696 alleles (0.011%); highest among the groups gnomAD compares: Non-Finnish European, 0.014%; no homozygotes.

Submissions (4):

Labcorp Genetics (formerly Invitae), Labcorp
Classification: Uncertain significance. Last evaluated: 2024-08-12. Review status: criteria provided, single submitter. Criteria: Invitae Variant Classification Sherloc (09022015). Collection method: clinical testing. Allele origin: germline.
Comment: This sequence change replaces threonine, which is neutral and polar, with methionine, which is neutral and non-polar, at codon 245 of the ERBB2 protein (p.Thr245Met). This variant is present in population databases (rs376183465, gnomAD 0.007%). This variant has not been reported in the literature in individuals affected with ERBB2-related conditions. ClinVar contains an entry for this variant (Variation ID: 134091). Advanced modeling of protein sequence and biophysical properties (such as structural, functional, and spatial information, amino acid conservation, physicochemical variation, residue mobility, and thermodynamic stability) performed at Invitae indicates that this missense variant is not expected to disrupt ERBB2 protein function with a negative predictive value of 80%. In summary, the available evidence is currently insufficient to determine the role of this variant in disease. Therefore, it has been classified as a Variant of Uncertain Significance.

Fulgent Genetics
Classification: Uncertain significance for Glioma susceptibility 1; Ovarian cancer; Lung cancer; Gastric cancer; Visceral neuropathy, familial, 2, autosomal recessive. Last evaluated: 2024-05-07. Review status: criteria provided, single submitter. Criteria: ACMG Guidelines, 2015. Collection method: clinical testing. Allele origin: germline.

Institute for Clinical Genetics, University Hospital TU Dresden, University Hospital TU Dresden
Classification: Uncertain significance. Last evaluated: 2021-11-03. Review status: criteria provided, single submitter. Criteria: ACMG Guidelines, 2015. Collection method: clinical testing. Allele origin: germline.

ITMI
No classification provided. Condition: AllHighlyPenetrant. Last evaluated: 2013-09-19. Review status: no classification provided. Collection method: reference population. Allele origin: germline. Not counted in ClinVar's aggregate classification.
Comment: Please see associated publication for description of ethnicities

Literature cited by the submitters: PubMed 24728327 (cited by ITMI).

NM_004448.4(ERBB2):c.734C>T (p.Thr245Met)

Gene: ERBB2 (erb-b2 receptor tyrosine kinase 2; plus strand). Cytogenetic location: 17q12.
Variant type: single nucleotide variant.
Coding change: c.734C>T on transcript NM_004448.4 (MANE Select); coding-DNA position 734, C replaced by T.
Protein change: p.Thr245Met; replaces threonine 245 with methionine.
Molecular consequence: missense variant. On other transcripts: non-coding transcript variant (1), intron variant (2).
Genome position (GRCh38, 1-based): chr17:39,710,176, C>T. VCF-style: chr17-39710176-C-T. GRCh37 (hg19) VCF-style: chr17-37866429-C-T.
Other names: c.644C>T, p.Thr215Met (NM_001005862.3, NM_001289938.2, NM_001382782.1 and 1 more transcripts); c.689C>T, p.Thr230Met (NM_001289936.2); c.734C>T, p.Thr245Met (NM_001289937.2, NM_001382784.1, NM_001382785.1 and 16 more transcripts); c.809C>T, p.Thr270Met (NM_001382787.1); c.554C>T, p.Thr185Met (NM_001382799.1); c.643+295C>T (NM_001382802.1); c.74-1752C>T (NM_001382804.1); c.725C>T, p.Thr242Met (NM_001382791.1); short protein forms T215M, T245M, T230M, T185M, T242M, T270M.
Identifiers: ClinVar variation 134091 (VCV000134091.9), dbSNP rs376183465, ClinGen allele CA158734.